The following is an entry in ClinVar:

ClinVar aggregate classification (germline): Benign. Review status: criteria provided, multiple submitters, no conflicts (2 of 4 stars). 2 submissions from 2 submitters: Benign (2). Last evaluated 2018-01-13.

Conditions:
Mucopolysaccharidosis, MPS-III-A (MPS3A). Also called: MUCOPOLYSACCHARIDOSIS, TYPE IIIA, ATTENUATED; Mucopolysaccharidosis type IIIA (Sanfilippo A); mucopolysaccharidosis type 3A; MPS IIIA (Sanfilippo Syndrome Type A); MPS III A; HEPARAN SULFATE SULFATASE DEFICIENCY. Identifiers: Orphanet 581, Orphanet 79269, MedGen C0086647, MONDO:0009655, OMIM 252900.

Allele frequency attached by ClinVar (database versions not stated): gnomAD 0.66618 and 0.66962; gnomAD exomes 0.64574; 1000 Genomes Project 0.64696; TOPMed 0.67460.

Submissions (2):

Illumina Laboratory Services, Illumina
Classification: Benign for Mucopolysaccharidosis, MPS-III-A. Last evaluated: 2018-01-13. Review status: criteria provided, single submitter. Criteria: ICSL Variant Classification Criteria 13 December 2019. Collection method: clinical testing. Allele origin: germline.
Comment: This variant was observed in the ICSL laboratory as part of a predisposition screen in an ostensibly healthy population. It had not been previously curated by ICSL or reported in the Human Gene Mutation Database (HGMD: prior to June 1st, 2018), and was therefore a candidate for classification through an automated scoring system. Utilizing variant allele frequency, disease prevalence and penetrance estimates, and inheritance mode, an automated score was calculated to assess if this variant is too frequent to cause the disease. Based on the score and internal cut-off values, a variant classified as benign is not then subjected to further curation. The score for this variant resulted in a classification of benign for this disease.

Breakthrough Genomics
Classification: Benign. Review status: criteria provided, single submitter. Criteria: ACMG Guidelines, 2015. Collection method: not provided. Allele origin: germline. Inheritance: Autosomal recessive inheritance. Affected: yes.

NM_000199.5(SGSH):c.*840A>G

Gene: SGSH (N-sulfoglucosamine sulfohydrolase; minus strand). Cytogenetic location: 17q25.3.
Variant type: single nucleotide variant.
Coding change: c.*840A>G on transcript NM_000199.5 (MANE Select); 840 bases downstream of the stop codon, A replaced by G.
Molecular consequence: 3 prime UTR variant. On other transcripts: non-coding transcript variant (1).
Genome position (GRCh38, 1-based): chr17:80,209,612, T>C on the plus strand (A>G on the coding strand, the complement: SGSH is on the minus strand). VCF-style: chr17-80209612-T-C. GRCh37 (hg19) VCF-style: chr17-78183411-T-C.
Other names: c.*1436A>G (NM_001352921.3); c.*1399A>G (NM_001352922.2).
Identifiers: ClinVar variation 325815 (VCV000325815.6), dbSNP rs709678, ClinGen allele CA10640888.